The following is an entry in ClinVar:

ClinVar aggregate classification (germline): Uncertain significance (1 of 4 stars; one submission).

Allele frequency attached by ClinVar (database versions not stated): gnomAD exomes below 0.00001; TOPMed below 0.00001.
gnomAD v4.1: 2 of 1,614,168 alleles (0.00012%); highest among the groups gnomAD compares: Admixed American, 0.0033%; no homozygotes.

Submission:

Labcorp Genetics (formerly Invitae), Labcorp
Classification: Uncertain significance. Last evaluated: 2024-01-22. Review status: criteria provided, single submitter. Criteria: Invitae Variant Classification Sherloc (09022015). Collection method: clinical testing. Allele origin: germline.
Comment: This sequence change replaces valine, which is neutral and non-polar, with alanine, which is neutral and non-polar, at codon 690 of the OCA2 protein (p.Val690Ala). This variant is not present in population databases (gnomAD no frequency). This variant has not been reported in the literature in individuals affected with OCA2-related conditions. ClinVar contains an entry for this variant (Variation ID: 1935714). Advanced modeling of protein sequence and biophysical properties (such as structural, functional, and spatial information, amino acid conservation, physicochemical variation, residue mobility, and thermodynamic stability) performed at Invitae indicates that this missense variant is not expected to disrupt OCA2 protein function with a negative predictive value of 80%. In summary, the available evidence is currently insufficient to determine the role of this variant in disease. Therefore, it has been classified as a Variant of Uncertain Significance.

NM_000275.3(OCA2):c.2069T>C (p.Val690Ala)

Gene: OCA2 (OCA2 melanosomal transmembrane protein; minus strand). Cytogenetic location: 15q13.1.
Variant type: single nucleotide variant.
Coding change: c.2069T>C on transcript NM_000275.3 (MANE Select); coding-DNA position 2069, T replaced by C.
Protein change: p.Val690Ala; replaces valine 690 with alanine.
Molecular consequence: missense variant.
Genome position (GRCh38, 1-based): chr15:27,926,137, A>G on the plus strand (T>C on the coding strand, the complement: OCA2 is on the minus strand). VCF-style: chr15-27926137-A-G. GRCh37 (hg19) VCF-style: chr15-28171283-A-G.
Other names: c.1997T>C, p.Val666Ala (NM_001300984.2); short protein forms V690A, V666A.
Identifiers: ClinVar variation 1935714 (VCV001935714.3), dbSNP rs1267509582, ClinGen allele CA391360876.